The following is an entry in ClinVar:

ClinVar aggregate classification (germline): Likely pathogenic. Review status: criteria provided, multiple submitters, no conflicts (2 of 4 stars). 3 submissions from 3 submitters: Likely pathogenic (2). 1 of the submissions does not count toward it. Last evaluated 2023-04-18.

Conditions:
Trichorhinophalangeal dysplasia type I (TRPS1). Also called: TRPS I; TRICHORHINOPHALANGEAL SYNDROME, TYPE I. Identifiers: Orphanet 77258, MedGen C0432233, MONDO:0008596, OMIM 190350.

Submissions (3):

Greenwood Genetic Center Diagnostic Laboratories, Greenwood Genetic Center
Classification: Likely pathogenic for Trichorhinophalangeal dysplasia type I. Last evaluated: 2023-04-18. Review status: criteria provided, single submitter. Criteria: ACMG Guidelines, 2015. Collection method: clinical testing. Allele origin: germline. Affected: yes.
Comment: PM2, PM6, PM1, PP3

CeGaT Center for Human Genetics Tuebingen
Classification: Likely pathogenic. Last evaluated: 2022-02-01. Review status: criteria provided, single submitter. Criteria: CeGaT Center For Human Genetics Tuebingen Variant Classification Criteria Version 2. Collection method: clinical testing. Allele origin: germline. Affected: yes. Observed: 1 variant allele.

GeneReviews
No classification provided. Condition: Trichorhinophalangeal dysplasia type I. Review status: no classification provided. Collection method: literature only. Allele origin: germline. Not counted in ClinVar's aggregate classification.

Literature cited by the submitters: PubMed 25792522 (cited by GeneReviews); NCBI Bookshelf NBK425926 (cited by GeneReviews).

NM_014112.5(TRPS1):c.2756T>C (p.Leu919Pro)

Gene: TRPS1 (transcriptional repressor GATA binding 1; minus strand). Cytogenetic location: 8q23.3.
Variant type: single nucleotide variant.
Coding change: c.2756T>C on transcript NM_014112.5 (MANE Select); coding-DNA position 2756, T replaced by C.
Protein change: p.Leu919Pro; replaces leucine 919 with proline.
Molecular consequence: missense variant.
Genome position (GRCh38, 1-based): chr8:115,418,397, A>G on the plus strand (T>C on the coding strand, the complement: TRPS1 is on the minus strand). VCF-style: chr8-115418397-A-G. GRCh37 (hg19) VCF-style: chr8-116430625-A-G.
Other names: c.2729T>C, p.Leu910Pro (NM_001282902.3); c.2735T>C, p.Leu912Pro (NM_001282903.3); c.2717T>C, p.Leu906Pro (NM_001330599.2); short protein forms L919P, L910P, L906P, L912P.
Identifiers: ClinVar variation 438462 (VCV000438462.34), dbSNP rs1554617573, ClinGen allele CA372064316.